The following is an entry in ClinVar:

ClinVar aggregate classification (germline): Likely benign. Review status: criteria provided, single submitter (1 of 4 stars). 2 submissions from 2 submitters: Likely benign (1). 1 of the submissions does not count toward it. Last evaluated 2024-09-15.

Conditions:
BRD4-related disorder. Also called: BRD4-related condition.

Allele frequency attached by ClinVar (database versions not stated): gnomAD exomes 0.00027; gnomAD 0.00014; TOPMed 0.00016; ExAC 0.00018; ESP Exome Variant Server 0.00008.
gnomAD v4.1: 401 of 1,597,730 alleles (0.025%); highest among the groups gnomAD compares: Non-Finnish European, 0.033%; no homozygotes.

Submissions (2):

Labcorp Genetics (formerly Invitae), Labcorp
Classification: Likely benign. Last evaluated: 2024-09-15. Review status: criteria provided, single submitter. Criteria: Invitae Variant Classification Sherloc (09022015). Collection method: clinical testing. Allele origin: germline.

PreventionGenetics, part of Exact Sciences
Classification: Likely benign for BRD4-related condition. Last evaluated: 2019-08-27. Review status: no assertion criteria provided. Collection method: clinical testing. Allele origin: germline. Not counted in ClinVar's aggregate classification.
Comment: This variant is classified as likely benign based on ACMG/AMP sequence variant interpretation guidelines (Richards et al. 2015 PMID: 25741868, with internal and published modifications).

NM_001379291.1(BRD4):c.3822G>A (p.Arg1274=)

Gene: BRD4 (bromodomain containing 4; minus strand). Cytogenetic location: 19p13.12.
Variant type: single nucleotide variant.
Coding change: c.3822G>A on transcript NM_001379291.1 (MANE Select); coding-DNA position 3822, G replaced by A.
Protein change: p.Arg1274=; no amino-acid change (arginine 1274 retained).
Molecular consequence: synonymous variant.
Genome position (GRCh38, 1-based): chr19:15,238,941, C>T on the plus strand (G>A on the coding strand, the complement: BRD4 is on the minus strand). VCF-style: chr19-15238941-C-T. GRCh37 (hg19) VCF-style: chr19-15349752-C-T.
Other names: c.3822G>A (NM_058243.2); c.3822G>A, p.Arg1274= (NM_058243.3).
Identifiers: ClinVar variation 2075753 (VCV002075753.6), dbSNP rs200422251, ClinGen allele CA9264515.
Genomic context (GRCh38, chr19:15,238,941, plus strand): 5'-CTGTTGCTCCTGGCGCTGCTGCTGCTGCTGCTCCTGGCGCCGACGTGCCTCCTCATGGGC[C>T]CGCCGGGCCTGCTCCAGCGCATCCTCGTCCTCTCGGCTCCTGGGCAGAGGGTCCCAGTCA-3'
Protein context (NP_001366220.1, residues 1264-1284): EDEDALEQAR[Arg1274=]AHEEARRRQE